The following is an entry in ClinVar:

ClinVar aggregate classification (germline): Likely pathogenic (1 of 4 stars; one submission).

Conditions:
Pheochromocytoma. Also called: MAX-Related Hereditary Paraganglioma-Pheochromocytoma Syndrome. Identifiers: Orphanet 29072, MedGen C0031511, MONDO:0008233, OMIM 171300, HP:0002666.
Gastrointestinal stromal tumor. Also called: Gastrointestinal stromal tumor, somatic; Gastrointestinal stroma tumor. Identifiers: Orphanet 44890, MedGen C0238198, MeSH D046152, MONDO:0011719, OMIM 606764, HP:0100723.
Pheochromocytoma/paraganglioma syndrome 4. Also called: CAROTID BODY TUMORS AND MULTIPLE EXTRAADRENAL PHEOCHROMOCYTOMAS; SDHB-Related Hereditary Paraganglioma-Pheochromocytoma Syndrome (Paragangliomas 4); Paragangliomas 4; SDHB-Related Hereditary Paraganglioma-Pheochromocytoma Syndrome; PARAGANGLIOMA, FAMILIAL MALIGNANT; PARAGANGLIOMAS, HEREDITARY EXTRAADRENAL. Identifiers: Orphanet 29072, MedGen C1861848, MONDO:0007273, OMIM 115310.

Submission:

Labcorp Genetics (formerly Invitae), Labcorp
Classification: Likely pathogenic for Gastrointestinal stromal tumor; Pheochromocytoma/paraganglioma syndrome 4; Pheochromocytoma. Last evaluated: 2016-01-30. Review status: criteria provided, single submitter. Criteria: Invitae Variant Classification Sherloc (09022015). Collection method: clinical testing. Allele origin: germline.
Comment: Although this tandem duplication is expected to disrupt the protein, it has not been confirmed by published functional studies. ¬†For these reasons, this variant has been classified as Likely Pathogenic. While this duplication has not been reported in the literature, other gross duplications in SDHB are known to be pathogenic (PMID: 19351833). This sequence change is a gross duplication of the genomic region encompassing a portion of exon 2 to exon 7 of the SDHB gene. The 5' breakpoint of this duplication is within exon 2 at c.127; the 3' boundary is likely confined to the intronic region between exons 7 and 8. The duplicated copy of this region is in tandem and may result in an absent or disrupted protein product.

Literature cited by the submitters: PubMed 19351833.

NC_000001.10:g.(?_17349097)_(17359646_?)dup

Gene: SDHB (succinate dehydrogenase complex iron sulfur subunit B; minus strand). Cytogenetic location: 1p36.13.
Variant type: Duplication.
Identifiers: ClinVar variation 1068178 (VCV001068178.16).